The following is an entry in ClinVar:

ClinVar aggregate classification (germline): Uncertain significance. Review status: criteria provided, multiple submitters, no conflicts (2 of 4 stars). 2 submissions from 2 submitters: Uncertain significance (2). Last evaluated 2023-05-23.

Allele frequency attached by ClinVar (database versions not stated): gnomAD exomes below 0.00001.
gnomAD v4.1: 5 of 1,551,608 alleles (0.00032%); highest among the groups gnomAD compares: Non-Finnish European, 0.00044%; no homozygotes.

Submissions (2):

Labcorp Genetics (formerly Invitae), Labcorp
Classification: Uncertain significance. Last evaluated: 2023-05-23. Review status: criteria provided, single submitter. Criteria: Invitae Variant Classification Sherloc (09022015). Collection method: clinical testing. Allele origin: germline.
Comment: In summary, the available evidence is currently insufficient to determine the role of this variant in disease. Therefore, it has been classified as a Variant of Uncertain Significance. An algorithm developed to predict the effect of missense changes on protein structure and function (PolyPhen-2) suggests that this variant is likely to be tolerated. ClinVar contains an entry for this variant (Variation ID: 1510129). This variant has not been reported in the literature in individuals affected with DTHD1-related conditions. This variant is not present in population databases (gnomAD no frequency). This sequence change replaces proline, which is neutral and non-polar, with alanine, which is neutral and non-polar, at codon 227 of the DTHD1 protein (p.Pro227Ala).

Ambry Genetics
Classification: Uncertain significance. Last evaluated: 2023-01-24. Review status: criteria provided, single submitter. Criteria: Ambry Variant Classification Scheme 2023. Collection method: clinical testing. Allele origin: germline.

NM_001170700.3(DTHD1):c.1549C>G (p.Pro517Ala)

Gene: DTHD1 (death domain containing 1; plus strand). Cytogenetic location: 4p14.
Variant type: single nucleotide variant.
Coding change: c.1549C>G on transcript NM_001170700.3 (MANE Select); coding-DNA position 1549, C replaced by G.
Protein change: p.Pro517Ala; replaces proline 517 with alanine.
Molecular consequence: missense variant. On other transcripts: non-coding transcript variant (2).
Genome position (GRCh38, 1-based): chr4:36,294,945, C>G. VCF-style: chr4-36294945-C-G. GRCh37 (hg19) VCF-style: chr4-36296567-C-G.
Other names: c.679C>G, p.Pro227Ala (NM_001136536.5); c.616C>G, p.Pro206Ala (NM_001378435.1); c.1174C>G (NM_001170700.1); short protein forms P227A, P206A, P517A.
Identifiers: ClinVar variation 1510129 (VCV001510129.9), dbSNP rs2109464676, ClinGen allele CA356680051.